The following is an entry in ClinVar:

NM_002303.6(LEPR):c.2674-3047C>G

Gene: LEPR (leptin receptor; plus strand). Cytogenetic location: 1p31.3.
Variant type: single nucleotide variant.
Coding change: c.2674-3047C>G on transcript NM_002303.6 (MANE Select); 3047 bases into the intron before coding-DNA position 2674, C replaced by G.
Molecular consequence: intron variant.
Genome position (GRCh38, 1-based): chr1:65,633,144, C>G. VCF-style: chr1-65633144-C-G. GRCh37 (hg19) VCF-style: chr1-66098827-C-G.
Other names: c.2674-8C>G (NM_001003679.3, NM_001198689.2).
Identifiers: ClinVar variation 4991130 (VCV004991130.1).
Genomic context (GRCh38, chr1:65,633,144, plus strand): 5'-TTTTATCTTTTTCTTTGTGAGTGATTTTTTATTTTGCTTTCTTATTTTGTTTTATTTTAT[C>G]TAAACAGAGAACGGACATTCTTTGAAGTCTAATCATGATCACTACAGATGAACCCAATGT-3'

ClinVar aggregate classification (germline): Uncertain significance (1 of 4 stars; one submission).

Conditions:
LEPR-related disorder. Also called: LEPR-related condition; LEPR-related disorders.

Submission:

PreventionGenetics, part of Exact Sciences
Classification: Uncertain significance for LEPR-related condition. Last evaluated: 2026-07-26. Review status: criteria provided, single submitter. Criteria: ACMG Guidelines, 2015. Collection method: clinical testing. Allele origin: germline.
Comment: The LEPR c.2674-8C>G variant is predicted to interfere with splicing. This variant is predicted to alter splicing based on available splicing prediction programs (SpliceAI, Jaganathan et al. 2019. PubMed ID: 30661751). To our knowledge, this variant has not been reported in the literature or in a large population database, indicating this variant is rare. At this time, the clinical significance of this variant is uncertain due to the absence of conclusive functional and genetic evidence.